The following is an entry in ClinVar:

ClinVar aggregate classification (germline): Uncertain significance. Review status: criteria provided, multiple submitters, no conflicts (2 of 4 stars). 2 submissions from 2 submitters: Uncertain significance (2). Last evaluated 2024-07-29.

Conditions:
Succinate-semialdehyde dehydrogenase deficiency (SSADHD). Also called: 4-HYDROXYBUTYRIC ACIDURIA; GABA METABOLIC DEFECT; SSADH DEFICIENCY; Succinic Semialdehyde Dehydrogenase Deficiency. Identifiers: Orphanet 22, MedGen C0268631, MONDO:0010083, OMIM 271980.

Allele frequency attached by ClinVar (database versions not stated): gnomAD exomes below 0.00001; gnomAD 0.00001; TOPMed 0.00001.
gnomAD v4.1: 3 of 1,504,120 alleles (0.0002%); highest among the groups gnomAD compares: Non-Finnish European, 0.00026%; no homozygotes.

Submissions (2):

GeneDx
Classification: Uncertain significance. Last evaluated: 2024-07-29. Review status: criteria provided, single submitter. Criteria: GeneDx Variant Classification Process June 2021. Collection method: clinical testing. Allele origin: germline. Affected: yes.
Comment: Not observed at significant frequency in large population cohorts (gnomAD); In silico analysis supports that this missense variant has a deleterious effect on protein structure/function; Has not been previously published as pathogenic or benign to our knowledge

Labcorp Genetics (formerly Invitae), Labcorp
Classification: Uncertain significance for Succinate-semialdehyde dehydrogenase deficiency. Last evaluated: 2022-06-07. Review status: criteria provided, single submitter. Criteria: Invitae Variant Classification Sherloc (09022015). Collection method: clinical testing. Allele origin: germline.
Comment: This sequence change replaces glycine, which is neutral and non-polar, with serine, which is neutral and polar, at codon 67 of the ALDH5A1 protein (p.Gly67Ser). This variant is not present in population databases (gnomAD no frequency). In summary, the available evidence is currently insufficient to determine the role of this variant in disease. Therefore, it has been classified as a Variant of Uncertain Significance. Algorithms developed to predict the effect of sequence changes on RNA splicing suggest that this variant may create or strengthen a splice site. Advanced modeling of protein sequence and biophysical properties (such as structural, functional, and spatial information, amino acid conservation, physicochemical variation, residue mobility, and thermodynamic stability) performed at Invitae indicates that this missense variant is expected to disrupt ALDH5A1 protein function. ClinVar contains an entry for this variant (Variation ID: 838687). This variant has not been reported in the literature in individuals affected with ALDH5A1-related conditions.

NM_001080.3(ALDH5A1):c.199G>A (p.Gly67Ser)

Genes: ALDH5A1 (aldehyde dehydrogenase 5 family member A1; plus strand), GPLD1 (glycosylphosphatidylinositol specific phospholipase D1; minus strand), LOC129995978 (ATAC-STARR-seq lymphoblastoid silent region 16989; plus strand). Cytogenetic location: 6p22.3.
Variant type: single nucleotide variant.
Coding change: c.199G>A on transcript NM_001080.3 (MANE Select); coding-DNA position 199, G replaced by A.
Protein change: p.Gly67Ser; replaces glycine 67 with serine.
Molecular consequence: missense variant.
Genome position (GRCh38, 1-based): chr6:24,495,195, G>A. VCF-style: chr6-24495195-G-A. GRCh37 (hg19) VCF-style: chr6-24495423-G-A.
Other names: c.199G>A, p.Gly67Ser (NM_001368954.1, NM_170740.1); short protein forms G67S.
Identifiers: ClinVar variation 838687 (VCV000838687.9), dbSNP rs904596298, ClinGen allele CA136122195.